The following is an entry in ClinVar:

ClinVar aggregate classification (germline): Uncertain significance (1 of 4 stars; one submission).

Conditions:
Inborn genetic diseases. Identifiers: MedGen C0950123, MeSH D030342.

Submission:

Ambry Genetics
Classification: Uncertain significance for Inborn genetic diseases. Last evaluated: 2025-02-13. Review status: criteria provided, single submitter. Criteria: Ambry Variant Classification Scheme 2023. Collection method: clinical testing. Allele origin: germline.
Comment: The p.H1385R variant (also known as c.4154A>G), located in coding exon 29 of the ANKRD26 gene, results from an A to G substitution at nucleotide position 4154. The histidine at codon 1385 is replaced by arginine, an amino acid with highly similar properties. This amino acid position is conserved. In addition, this alteration is predicted to be tolerated by in silico analysis. Based on the available evidence, the clinical significance of this variant remains unclear.

NM_014915.3(ANKRD26):c.4154A>G (p.His1385Arg)

Gene: ANKRD26 (ankyrin repeat domain containing 26; minus strand). Cytogenetic location: 10p12.1.
Variant type: single nucleotide variant.
Coding change: c.4154A>G on transcript NM_014915.3 (MANE Select); coding-DNA position 4154, A replaced by G.
Protein change: p.His1385Arg; replaces histidine 1385 with arginine.
Molecular consequence: missense variant.
Genome position (GRCh38, 1-based): chr10:27,022,619, T>C on the plus strand (A>G on the coding strand, the complement: ANKRD26 is on the minus strand). VCF-style: chr10-27022619-T-C. GRCh37 (hg19) VCF-style: chr10-27311548-T-C.
Other names: c.4151A>G, p.His1384Arg (NM_001256053.2); short protein forms H1384R, H1385R.
Identifiers: ClinVar variation 3871276 (VCV003871276.1).